The following is an entry in ClinVar:

NM_004370.6(COL12A1):c.3974A>T (p.Asp1325Val)

Gene: COL12A1 (collagen type XII alpha 1 chain; minus strand). Cytogenetic location: 6q13.
Variant type: single nucleotide variant.
Coding change: c.3974A>T on transcript NM_004370.6 (MANE Select); coding-DNA position 3974, A replaced by T.
Protein change: p.Asp1325Val; replaces aspartic acid 1325 with valine.
Molecular consequence: missense variant.
Genome position (GRCh38, 1-based): chr6:75,151,893, T>A on the plus strand (A>T on the coding strand, the complement: COL12A1 is on the minus strand). VCF-style: chr6-75151893-T-A. GRCh37 (hg19) VCF-style: chr6-75861609-T-A.
Other names: c.3974A>T (NM_004370.5); c.482A>T, p.Asp161Val (NM_080645.3); short protein forms D1325V, D161V.
Identifiers: ClinVar variation 1006940 (VCV001006940.13), dbSNP rs371419803, ClinGen allele CA141004651.

ClinVar aggregate classification (germline): Uncertain significance. Review status: criteria provided, multiple submitters, no conflicts (2 of 4 stars). 4 submissions from 4 submitters: Uncertain significance (4). Last evaluated 2025-11-18.

Conditions:
Inborn genetic diseases. Identifiers: MedGen C0950123, MeSH D030342.
Ullrich congenital muscular dystrophy 2 (UCMD2). Identifiers: Orphanet 75840, MedGen C4225314, MONDO:0014654, OMIM 616470.
Bethlem myopathy 2 (BTHLM2). Identifiers: Orphanet 536516, Orphanet 610, MedGen C4225313, MONDO:0034022, OMIM 616471.

Allele frequency attached by ClinVar (database versions not stated): gnomAD exomes 0.00001 and below 0.00001; TOPMed 0.00002; ESP Exome Variant Server 0.00016; gnomAD 0.00001.
gnomAD v4.1: 13 of 1,613,676 alleles (0.00081%); highest among the groups gnomAD compares: Non-Finnish European, 0.001%; no homozygotes.

Submissions (4):

Labcorp Genetics (formerly Invitae), Labcorp
Classification: Uncertain significance for Bethlem myopathy 2; Ullrich congenital muscular dystrophy 2. Last evaluated: 2025-11-18. Review status: criteria provided, single submitter. Criteria: Invitae Variant Classification Sherloc (09022015). Collection method: clinical testing. Allele origin: germline.
Comment: This sequence change replaces aspartic acid, which is acidic and polar, with valine, which is neutral and non-polar, at codon 1325 of the COL12A1 protein (p.Asp1325Val). This variant is present in population databases (rs371419803, gnomAD 0.0009%). This variant has not been reported in the literature in individuals affected with COL12A1-related conditions. ClinVar contains an entry for this variant (Variation ID: 1006940). Invitae Evidence Modeling of protein sequence and biophysical properties (such as structural, functional, and spatial information, amino acid conservation, physicochemical variation, residue mobility, and thermodynamic stability) indicates that this missense variant is not expected to disrupt COL12A1 protein function with a negative predictive value of 80%. In summary, the available evidence is currently insufficient to determine the role of this variant in disease. Therefore, it has been classified as a Variant of Uncertain Significance.

Ambry Genetics
Classification: Uncertain significance for Inborn genetic diseases. Last evaluated: 2025-11-07. Review status: criteria provided, single submitter. Criteria: Ambry Variant Classification Scheme 2023. Collection method: clinical testing. Allele origin: germline.
Comment: The c.3974A>T (p.D1325V) alteration is located in exon 20 (coding exon 19) of the COL12A1 gene. This alteration results from a A to T substitution at nucleotide position 3974, causing the aspartic acid (D) at amino acid position 1325 to be replaced by a valine (V). Based on data from gnomAD, the T allele has an overall frequency of <0.001% (1/249164) total alleles studied. The highest observed frequency was 0.001% (1/112950) of European (non-Finnish) alleles. Based on insufficient or conflicting evidence, the clinical significance of this alteration remains unclear.

Revvity Omics, Revvity
Classification: Uncertain significance. Last evaluated: 2024-04-26. Review status: criteria provided, single submitter. Criteria: ACMG Guidelines, 2015. Collection method: clinical testing. Allele origin: germline.

GeneDx
Classification: Uncertain significance. Last evaluated: 2023-09-13. Review status: criteria provided, single submitter. Criteria: GeneDx Variant Classification Process June 2021. Collection method: clinical testing. Allele origin: germline. Affected: yes.
Comment: Has not been previously published as pathogenic or benign to our knowledge; Not observed at significant frequency in large population cohorts (gnomAD); In silico analysis supports that this missense variant has a deleterious effect on protein structure/function; In silico analysis suggests this variant may impact gene splicing. In the absence of RNA/functional studies, the actual effect of this sequence change is unknown.